The following is an entry in ClinVar:

ClinVar aggregate classification (germline): Likely benign. Review status: criteria provided, multiple submitters, no conflicts (2 of 4 stars). 2 submissions from 2 submitters: Likely benign (2). Last evaluated 2026-06-28.

Conditions:
Spermatogenic failure 18. Identifiers: MedGen C4539783, MONDO:0054615, OMIM 617576.
Ciliary dyskinesia, primary, 37 (CILD37). Also called: CILIARY DYSKINESIA, PRIMARY, 37, WITH OR WITHOUT SITUS INVERSUS. Identifiers: MedGen C4539798, MONDO:0033204, OMIM 617577.
DNAH1-related disorder. Also called: DNAH1-related condition.

Allele frequency attached by ClinVar (database versions not stated): gnomAD exomes 0.00003 and 0.00006; gnomAD 0.00005 and 0.00006; ExAC 0.00006; TOPMed 0.00010.
gnomAD v4.1: 59 of 1,612,500 alleles (0.0037%); highest among the groups gnomAD compares: Middle Eastern, 0.016%; no homozygotes.

Submissions (2):

PreventionGenetics, part of Exact Sciences
Classification: Likely benign for DNAH1-related condition. Last evaluated: 2026-06-28. Review status: criteria provided, single submitter. Criteria: ACMG Guidelines, 2015. Collection method: clinical testing. Allele origin: germline.
Comment: This variant is classified as likely benign based on ACMG/AMP sequence variant interpretation guidelines (Richards et al. 2015 PMID: 25741868, with internal and published modifications).

Labcorp Genetics (formerly Invitae), Labcorp
Classification: Likely benign for Ciliary dyskinesia, primary, 37; Spermatogenic failure 18. Last evaluated: 2024-06-24. Review status: criteria provided, single submitter. Criteria: Invitae Variant Classification Sherloc (09022015). Collection method: clinical testing. Allele origin: germline.

NM_015512.5(DNAH1):c.6960C>T (p.Gly2320=)

Gene: DNAH1 (dynein axonemal heavy chain 1; plus strand). Cytogenetic location: 3p21.1.
Variant type: single nucleotide variant.
Coding change: c.6960C>T on transcript NM_015512.5 (MANE Select); coding-DNA position 6960, C replaced by T.
Protein change: p.Gly2320=; no amino-acid change (glycine 2320 retained).
Molecular consequence: synonymous variant.
Genome position (GRCh38, 1-based): chr3:52,373,028, C>T. VCF-style: chr3-52373028-C-T. GRCh37 (hg19) VCF-style: chr3-52407044-C-T.
Identifiers: ClinVar variation 662813 (VCV000662813.9), dbSNP rs779773823, ClinGen allele CA2434697.